The following is an entry in ClinVar:

ClinVar aggregate classification (germline): Uncertain significance (1 of 4 stars; one submission).

Conditions:
Myopathy with tubular aggregates (TAM). Also called: Tubular Aggregate Myopathy. Identifiers: Orphanet 2593, MedGen C0410207, MONDO:0008051.
Stormorken syndrome (STRMK). Also called: THROMBOCYTOPATHY, ASPLENIA, AND MIOSIS. Identifiers: Orphanet 3204, MedGen C1861451, MONDO:0008497, OMIM 185070.
Combined immunodeficiency due to STIM1 deficiency. Also called: IMMUNODEFICIENCY 10; STIM1 DEFICIENCY. Identifiers: Orphanet 169090, Orphanet 317430, MedGen C2748557, MONDO:0013008, OMIM 612783.

Allele frequency attached by ClinVar (database versions not stated): gnomAD exomes 0.00001; TOPMed 0.00001.
gnomAD v4.1: 14 of 1,613,890 alleles (0.00087%); highest among the groups gnomAD compares: African/African-American, 0.008%; no homozygotes.

Submission:

Labcorp Genetics (formerly Invitae), Labcorp
Classification: Uncertain significance for Myopathy with tubular aggregates; Combined immunodeficiency due to STIM1 deficiency; Stormorken syndrome. Last evaluated: 2024-08-15. Review status: criteria provided, single submitter. Criteria: Invitae Variant Classification Sherloc (09022015). Collection method: clinical testing. Allele origin: germline.
Comment: This sequence change replaces arginine, which is basic and polar, with cysteine, which is neutral and slightly polar, at codon 287 of the STIM1 protein (p.Arg287Cys). This variant is present in population databases (no rsID available, gnomAD 0.004%). This variant has not been reported in the literature in individuals affected with STIM1-related conditions. ClinVar contains an entry for this variant (Variation ID: 951660). Invitae Evidence Modeling of protein sequence and biophysical properties (such as structural, functional, and spatial information, amino acid conservation, physicochemical variation, residue mobility, and thermodynamic stability) has been performed for this missense variant. However, the output from this modeling did not meet the statistical confidence thresholds required to predict the impact of this variant on STIM1 protein function. In summary, the available evidence is currently insufficient to determine the role of this variant in disease. Therefore, it has been classified as a Variant of Uncertain Significance.

NM_001382567.1(STIM1):c.859C>T (p.Arg287Cys)

Gene: STIM1 (stromal interaction molecule 1; plus strand). Cytogenetic location: 11p15.4.
Variant type: single nucleotide variant.
Coding change: c.859C>T on transcript NM_001382567.1 (MANE Select); coding-DNA position 859, C replaced by T.
Protein change: p.Arg287Cys; replaces arginine 287 with cysteine.
Molecular consequence: missense variant.
Genome position (GRCh38, 1-based): chr11:4,074,569, C>T. VCF-style: chr11-4074569-C-T. GRCh37 (hg19) VCF-style: chr11-4095799-C-T.
Other names: c.859C>T, p.Arg287Cys (NM_001277961.3, NM_001277962.2, NM_001382568.1 and 2 more transcripts); c.637C>T, p.Arg213Cys (NM_001382566.1, NM_001382573.1, NM_001382574.1 and 5 more transcripts); c.724C>T, p.Arg242Cys (NM_001382569.1); c.631C>T, p.Arg211Cys (NM_001382570.1); c.379C>T, p.Arg127Cys (NM_001382571.1); c.370C>T, p.Arg124Cys (NM_001382580.1, NM_001382581.1); short protein forms R127C, R211C, R213C, R287C, R124C, R242C.
Identifiers: ClinVar variation 951660 (VCV000951660.10), dbSNP rs1034949340, ClinGen allele CA379190567.